The following is an entry in ClinVar:

ClinVar aggregate classification (germline): Uncertain significance. Review status: criteria provided, multiple submitters, no conflicts (2 of 4 stars). 2 submissions from 2 submitters: Uncertain significance (2). Last evaluated 2023-09-01.

Conditions:
Polyhydramnios, megalencephaly, and symptomatic epilepsy (PMSE). Also called: PMSE SYNDROME. Identifiers: Orphanet 500533, MedGen C1970203, MONDO:0012611, OMIM 611087.

Allele frequency attached by ClinVar (database versions not stated): TOPMed below 0.00001; gnomAD exomes 0.00001 and 0.00002; ExAC 0.00003.
gnomAD v4.1: 9 of 1,613,718 alleles (0.00056%); highest among the groups gnomAD compares: South Asian, 0.0077%; 1 homozygote.

Submissions (3):

Labcorp Genetics (formerly Invitae), Labcorp
Classification: Uncertain significance for Polyhydramnios, megalencephaly, and symptomatic epilepsy. Last evaluated: 2023-09-01. Review status: criteria provided, single submitter. Criteria: Invitae Variant Classification Sherloc (09022015). Collection method: clinical testing. Allele origin: germline.
Comment: In summary, the available evidence is currently insufficient to determine the role of this variant in disease. Therefore, it has been classified as a Variant of Uncertain Significance. An algorithm developed to predict the effect of missense changes on protein structure and function (PolyPhen-2) suggests that this variant¬†is likely to be tolerated. ClinVar contains an entry for this variant (Variation ID: 1303462). This variant has not been reported in the literature in individuals affected with STRADA-related conditions. This variant is present in population databases (rs772062217, gnomAD 0.007%), including at least one homozygous and/or hemizygous individual. This sequence change replaces serine, which is neutral and polar, with arginine, which is basic and polar, at codon 369 of the STRADA protein (p.Ser369Arg).

GeneDx
Classification: Uncertain significance. Last evaluated: 2019-09-17. Review status: criteria provided, single submitter. Criteria: GeneDx Variant Classification Process June 2021. Collection method: clinical testing. Allele origin: germline. Affected: yes.
Comment: Not observed at a significant frequency in large population cohorts (Lek et al., 2016); In silico analysis, which includes protein predictors and evolutionary conservation, supports a deleterious effect; Has not been previously published as pathogenic or benign to our knowledge

Dr. Peter K. Rogan Lab, Western University
No classification provided (evidence only). Condition: Gastric cancer. Review status: no classification provided. Collection method: in vitro. Allele origin: not applicable. Functional consequence: retained intron. Not counted in ClinVar's aggregate classification.

NM_001003787.4(STRADA):c.1107T>G (p.Ser369Arg)

Gene: STRADA (STE20 related adaptor alpha; minus strand). Cytogenetic location: 17q23.3.
Variant type: single nucleotide variant.
Coding change: c.1107T>G on transcript NM_001003787.4 (MANE Select); coding-DNA position 1107, T replaced by G.
Protein change: p.Ser369Arg; replaces serine 369 with arginine.
Molecular consequence: missense variant. On other transcripts: 3 prime UTR variant (1), non-coding transcript variant (1), intron variant (1).
Genome position (GRCh38, 1-based): chr17:63,704,041, A>C on the plus strand (T>G on the coding strand, the complement: STRADA is on the minus strand). VCF-style: chr17-63704041-A-C. GRCh37 (hg19) VCF-style: chr17-61781401-A-C.
Other names: c.996T>G, p.Ser332Arg (NM_001003786.3); c.933T>G, p.Ser311Arg (NM_001003788.3); c.929T>G, p.Val310Gly (NM_001165969.2); c.884T>G, p.Val295Gly (NM_001165970.2); c.1083T>G, p.Ser361Arg (NM_001363786.1); c.1020T>G, p.Ser340Arg (NM_001363787.1); c.1016T>G, p.Val339Gly (NM_001363788.1); c.905T>G, p.Val302Gly (NM_001363789.1); and 3 more; short protein forms S311R, S332R, S340R, S361R, S369R, V281G, V295G, V302G.
Identifiers: ClinVar variation 1303462 (VCV001303462.5), dbSNP rs772062217, ClinGen allele CA8703111.